The following is an entry in ClinVar:

ClinVar aggregate classification (germline): Uncertain significance (1 of 4 stars; one submission).

Submission:

GeneDx
Classification: Uncertain significance. Last evaluated: 2024-01-16. Review status: criteria provided, single submitter. Criteria: GeneDx Variant Classification Process June 2021. Collection method: clinical testing. Allele origin: germline. Affected: yes.
Comment: Not observed at significant frequency in large population cohorts (gnomAD); In silico analysis supports that this missense variant does not alter protein structure/function; Has not been previously published as pathogenic or benign to our knowledge

NM_005631.5(SMO):c.1210G>C (p.Val404Leu)

Gene: SMO (smoothened, frizzled class receptor; plus strand). Cytogenetic location: 7q32.1.
Variant type: single nucleotide variant.
Coding change: c.1210G>C on transcript NM_005631.5 (MANE Select); coding-DNA position 1210, G replaced by C.
Protein change: p.Val404Leu; replaces valine 404 with leucine.
Molecular consequence: missense variant.
Genome position (GRCh38, 1-based): chr7:129,206,533, G>C. VCF-style: chr7-129206533-G-C. GRCh37 (hg19) VCF-style: chr7-128846374-G-C.
Other names: short protein forms V404L.
Identifiers: ClinVar variation 3368025 (VCV003368025.1).